The following is an entry in ClinVar:

ClinVar aggregate classification (germline): Uncertain significance. Review status: criteria provided, multiple submitters, no conflicts (2 of 4 stars). 2 submissions from 2 submitters: Uncertain significance (2). Last evaluated 2025-10-29.

Conditions:
Cardiovascular phenotype. Identifiers: MedGen CN230736.
Cholestanol storage disease (CTX). Also called: CTX: Cerebrotendinous xanthomatosis; CEREBRAL CHOLESTERINOSIS; Cerebrotendinous Xanthomatosis. Identifiers: Orphanet 909, MedGen C0238052, MONDO:0008948, OMIM 213700.

Allele frequency attached by ClinVar (database versions not stated): gnomAD 0.00001.
gnomAD v4.1: 1 of 1,613,590 alleles (0.000062%); highest among the groups gnomAD compares: Non-Finnish European, 0.000085%; no homozygotes.

Submissions (2):

Ambry Genetics
Classification: Uncertain significance for Cardiovascular phenotype. Last evaluated: 2025-10-29. Review status: criteria provided, single submitter. Criteria: Ambry Variant Classification Scheme 2023. Collection method: clinical testing. Allele origin: germline.
Comment: The p.D434A variant (also known as c.1301A>C), located in coding exon 8 of the CYP27A1 gene, results from an A to C substitution at nucleotide position 1301. The aspartic acid at codon 434 is replaced by alanine, an amino acid with dissimilar properties. This amino acid position is conserved. In addition, this alteration is predicted to be deleterious by in silico analysis. Based on the available evidence, the clinical significance of this variant remains unclear.

Labcorp Genetics (formerly Invitae), Labcorp
Classification: Uncertain significance for Cholestanol storage disease. Last evaluated: 2022-05-29. Review status: criteria provided, single submitter. Criteria: Invitae Variant Classification Sherloc (09022015). Collection method: clinical testing. Allele origin: germline.
Comment: This sequence change replaces aspartic acid, which is acidic and polar, with alanine, which is neutral and non-polar, at codon 434 of the CYP27A1 protein (p.Asp434Ala). This variant is present in population databases (no rsID available, gnomAD 0.007%). This variant has not been reported in the literature in individuals affected with CYP27A1-related conditions. Advanced modeling of protein sequence and biophysical properties (such as structural, functional, and spatial information, amino acid conservation, physicochemical variation, residue mobility, and thermodynamic stability) performed at Invitae indicates that this missense variant is expected to disrupt CYP27A1 protein function. In summary, the available evidence is currently insufficient to determine the role of this variant in disease. Therefore, it has been classified as a Variant of Uncertain Significance.

NM_000784.4(CYP27A1):c.1301A>C (p.Asp434Ala)

Gene: CYP27A1 (cytochrome P450 family 27 subfamily A member 1; plus strand). Cytogenetic location: 2q35.
Variant type: single nucleotide variant.
Coding change: c.1301A>C on transcript NM_000784.4 (MANE Select); coding-DNA position 1301, A replaced by C.
Protein change: p.Asp434Ala; replaces aspartic acid 434 with alanine.
Molecular consequence: missense variant.
Genome position (GRCh38, 1-based): chr2:218,814,582, A>C. VCF-style: chr2-218814582-A-C. GRCh37 (hg19) VCF-style: chr2-219679305-A-C.
Other names: c.1301A>C (NM_000784.3); short protein forms D434A.
Identifiers: ClinVar variation 2188976 (VCV002188976.2), dbSNP rs1196465148, ClinGen allele CA350594005.